The following is an entry in ClinVar:

NM_020975.6(RET):c.3266G>T (p.Arg1089Ile)

Gene: RET (ret proto-oncogene; plus strand). Cytogenetic location: 10q11.21.
Variant type: single nucleotide variant.
Coding change: c.3266G>T on transcript NM_020975.6 (MANE Select); coding-DNA position 3266, G replaced by T.
Protein change: p.Arg1089Ile; replaces arginine 1089 with isoleucine.
Molecular consequence: missense variant.
Genome position (GRCh38, 1-based): chr10:43,128,190, G>T. VCF-style: chr10-43128190-G-T. GRCh37 (hg19) VCF-style: chr10-43623638-G-T.
Other names: c.3266G>T (NM_020975.4); short protein forms R1089I.
Identifiers: ClinVar variation 1518654 (VCV001518654.9), dbSNP rs1245283352, ClinGen allele CA376559046.
Genomic context (GRCh38, chr10:43,128,190, plus strand): 5'-GGCCTGGAGAGAGTCCTGTACCACTCACGAGAGCTGATGGCACTAACACTGGGTTTCCAA[G>T]ATATCCAAATGATAGTGTATATGCTAACTGGATGCTTTCACCCTCAGCGGCAAAATTAAT-3'
Protein context (NP_066124.1, residues 1079-1099): RADGTNTGFP[Arg1089Ile]YPNDSVYANW

ClinVar aggregate classification (germline): Uncertain significance. Review status: criteria provided, multiple submitters, no conflicts (2 of 4 stars). 2 submissions from 2 submitters: Uncertain significance (2). Last evaluated 2025-01-31.

Conditions:
Multiple endocrine neoplasia, type 2 (MEN2). Identifiers: Orphanet 653, MedGen C4048306, MONDO:0019003. Disease mechanism: gain of function.
Hereditary cancer-predisposing syndrome. Also called: Hereditary neoplastic syndrome; Hereditary Cancer Syndrome; Tumor predisposition; Neoplastic Syndromes, Hereditary. Identifiers: Orphanet 140162, MedGen C0027672, MeSH D009386, MONDO:0015356.

Allele frequency attached by ClinVar (database versions not stated): TOPMed 0.00002.

Submissions (2):

Ambry Genetics
Classification: Uncertain significance for Hereditary cancer-predisposing syndrome. Last evaluated: 2025-01-31. Review status: criteria provided, single submitter. Criteria: Ambry Variant Classification Scheme 2023. Collection method: clinical testing. Allele origin: germline.
Comment: The p.R1089I variant (also known as c.3266G>T), located in coding exon 20 of the RET gene, results from a G to T substitution at nucleotide position 3266. The arginine at codon 1089 is replaced by isoleucine, an amino acid with similar properties. This amino acid position is conserved. In addition, this alteration is predicted to be deleterious by in silico analysis. Based on the available evidence, the clinical significance of this variant remains unclear.

Labcorp Genetics (formerly Invitae), Labcorp
Classification: Uncertain significance for Multiple endocrine neoplasia, type 2. Last evaluated: 2024-04-22. Review status: criteria provided, single submitter. Criteria: Invitae Variant Classification Sherloc (09022015). Collection method: clinical testing. Allele origin: germline.
Comment: This sequence change replaces arginine, which is basic and polar, with isoleucine, which is neutral and non-polar, at codon 1089 of the RET protein (p.Arg1089Ile). This variant is not present in population databases (gnomAD no frequency). This variant has not been reported in the literature in individuals affected with RET-related conditions. ClinVar contains an entry for this variant (Variation ID: 1518654). An algorithm developed to predict the effect of missense changes on protein structure and function (PolyPhen-2) suggests that this variant is likely to be disruptive. Algorithms developed to predict the effect of sequence changes on RNA splicing suggest that this variant may disrupt the consensus splice site. In summary, the available evidence is currently insufficient to determine the role of this variant in disease. Therefore, it has been classified as a Variant of Uncertain Significance.